The following is an entry in ClinVar:

NM_002661.5(PLCG2):c.2765A>G (p.Lys922Arg)

Gene: PLCG2 (phospholipase C gamma 2; plus strand). Cytogenetic location: 16q23.3.
Variant type: single nucleotide variant.
Coding change: c.2765A>G on transcript NM_002661.5 (MANE Select); coding-DNA position 2765, A replaced by G.
Protein change: p.Lys922Arg; replaces lysine 922 with arginine.
Molecular consequence: missense variant.
Genome position (GRCh38, 1-based): chr16:81,934,454, A>G. VCF-style: chr16-81934454-A-G. GRCh37 (hg19) VCF-style: chr16-81968059-A-G.
Other names: p.Lys922Arg; c.2765A>G, p.Lys922Arg (NM_001425749.1, NM_001425750.1, NM_001425751.1); short protein forms K922R.
Identifiers: ClinVar variation 3380405 (VCV003380405.1).

ClinVar aggregate classification (germline): Uncertain significance (1 of 4 stars; one submission).

gnomAD v4.1: 2 of 1,613,094 alleles (0.00012%); highest among the groups gnomAD compares: Non-Finnish European, 0.00017%; no homozygotes.

Submission:

Mayo Clinic Laboratories, Mayo Clinic
Classification: Uncertain significance. Last evaluated: 2024-08-05. Review status: criteria provided, single submitter. Criteria: ACMG Guidelines, 2015. Collection method: clinical testing. Allele origin: germline. Observed: 1 variant allele.
Comment: BP4, PM2